The following is an entry in ClinVar:

ClinVar aggregate classification (germline): Uncertain significance (1 of 4 stars; one submission).

Submission:

Labcorp Genetics (formerly Invitae), Labcorp
Classification: Uncertain significance. Last evaluated: 2025-12-15. Review status: criteria provided, single submitter. Criteria: Invitae Variant Classification Sherloc (09022015). Collection method: clinical testing. Allele origin: germline.
Comment: This sequence change creates a premature translational stop signal (p.Leu74*) in the DNA2 gene. It is expected to result in an absent or disrupted protein product. However, the current clinical and genetic evidence is not sufficient to establish whether loss-of-function variants in DNA2 cause disease. This variant is present in population databases (rs758187126, gnomAD 0.003%). This variant has not been reported in the literature in individuals affected with DNA2-related conditions. In summary, the available evidence is currently insufficient to determine the role of this variant in disease. Therefore, it has been classified as a Variant of Uncertain Significance.

NM_001080449.3(DNA2):c.220del (p.Ser73_Leu74insTer)

Gene: DNA2 (DNA replication helicase/nuclease 2; minus strand). Cytogenetic location: 10q21.3.
Variant type: Deletion.
Coding change: c.220del on transcript NM_001080449.3 (MANE Select); coding-DNA position 220, one base deleted (C; older notation c.220delC).
Protein change: p.Ser73_Leu74insTer.
Molecular consequence: nonsense. On other transcripts: non-coding transcript variant (1).
Genome position (GRCh38, 1-based): chr10:68,470,018, G deleted on the plus strand (C on the coding strand, the reverse complement: DNA2 is on the minus strand). VCF-style (leftmost placement, unchanged base first): chr10-68470017-AG-A. GRCh37 (hg19) VCF-style: chr10-70229774-AG-A.
Identifiers: ClinVar variation 4691019 (VCV004691019.1).